The following is an entry in ClinVar:

ClinVar aggregate classification (germline): Conflicting classifications of pathogenicity. Review status: criteria provided, conflicting classifications (1 of 4 stars). 6 submissions from 6 submitters: Uncertain significance (5); Likely benign (1). Last evaluated 2025-01-28.

Conditions:
Inborn genetic diseases. Identifiers: MedGen C0950123, MeSH D030342.
LAMA2-related muscular dystrophy (LAMA2-RD). Also called: Laminin alpha 2-related dystrophy. Identifiers: MedGen C5679788, MONDO:0100228.
Congenital muscular dystrophy due to partial LAMA2 deficiency. Identifiers: MedGen C1842898.

Allele frequency attached by ClinVar (database versions not stated): ExAC 0.00003; gnomAD exomes 0.00003 and 0.00004; TOPMed 0.00003; gnomAD 0.00004.
gnomAD v4.1: 55 of 1,613,856 alleles (0.0034%); highest among the groups gnomAD compares: South Asian, 0.014%; no homozygotes.

Submissions (6):

Revvity Omics, Revvity
Classification: Uncertain significance. Last evaluated: 2025-01-28. Review status: criteria provided, single submitter. Criteria: ACMG Guidelines, 2015. Collection method: clinical testing. Allele origin: germline.

Labcorp Genetics (formerly Invitae), Labcorp
Classification: Likely benign for LAMA2-related muscular dystrophy. Last evaluated: 2024-03-14. Review status: criteria provided, single submitter. Criteria: Invitae Variant Classification Sherloc (09022015). Collection method: clinical testing. Allele origin: germline.

Mayo Clinic Laboratories, Mayo Clinic
Classification: Uncertain significance. Last evaluated: 2024-02-12. Review status: criteria provided, single submitter. Criteria: ACMG Guidelines, 2015. Collection method: clinical testing. Allele origin: germline. Observed: 1 variant allele.
Comment: BP4, PM2

Ambry Genetics
Classification: Uncertain significance for Inborn genetic diseases. Last evaluated: 2021-08-31. Review status: criteria provided, single submitter. Criteria: Ambry Variant Classification Scheme 2023. Collection method: clinical testing. Allele origin: germline.

Illumina Laboratory Services, Illumina
Classification: Uncertain significance for Congenital muscular dystrophy due to partial LAMA2 deficiency. Last evaluated: 2018-01-13. Review status: criteria provided, single submitter. Criteria: ICSL Variant Classification Criteria 13 December 2019. Collection method: clinical testing. Allele origin: germline.

Genetic Services Laboratory, University of Chicago
Classification: Uncertain significance. Last evaluated: 2016-04-06. Review status: criteria provided, single submitter. Criteria: ACMG Guidelines, 2015. Collection method: clinical testing. Allele origin: germline. Affected: no.

Literature cited by the submitters: PubMed 31983221 (cited by Mayo Clinic Laboratories, Mayo Clinic).

NM_000426.4(LAMA2):c.9254G>A (p.Arg3085Gln)

Gene: LAMA2 (laminin subunit alpha 2; plus strand). Cytogenetic location: 6q22.33.
Variant type: single nucleotide variant.
Coding change: c.9254G>A on transcript NM_000426.4 (MANE Select); coding-DNA position 9254, G replaced by A.
Protein change: p.Arg3085Gln; replaces arginine 3085 with glutamine.
Molecular consequence: missense variant.
Genome position (GRCh38, 1-based): chr6:129,516,232, G>A. VCF-style: chr6-129516232-G-A. GRCh37 (hg19) VCF-style: chr6-129837377-G-A.
Other names: p.Arg3085Gln; c.9242G>A, p.Arg3081Gln (NM_001079823.2); short protein forms R3085Q, R3081Q.
Identifiers: ClinVar variation 435710 (VCV000435710.18), dbSNP rs776606476, ClinGen allele CA3995085.